The following is an entry in ClinVar:

NM_024685.4(BBS10):c.1142A>G (p.Tyr381Cys)

Gene: BBS10 (Bardet-Biedl syndrome 10; minus strand). Cytogenetic location: 12q21.2.
Variant type: single nucleotide variant.
Coding change: c.1142A>G on transcript NM_024685.4 (MANE Select); coding-DNA position 1142, A replaced by G.
Protein change: p.Tyr381Cys; replaces tyrosine 381 with cysteine.
Molecular consequence: missense variant.
Genome position (GRCh38, 1-based): chr12:76,346,843, T>C on the plus strand (A>G on the coding strand, the complement: BBS10 is on the minus strand). VCF-style: chr12-76346843-T-C. GRCh37 (hg19) VCF-style: chr12-76740623-T-C.
Other names: short protein forms Y381C.
Identifiers: ClinVar variation 3031877 (VCV003031877.4), dbSNP rs1217115736, ClinGen allele CA385812600.

ClinVar aggregate classification (germline): Uncertain significance. Review status: criteria provided, multiple submitters, no conflicts (2 of 4 stars). 3 submissions from 3 submitters: Uncertain significance (2). 1 of the submissions does not count toward it. Last evaluated 2026-04-17.

Conditions:
Inborn genetic diseases. Identifiers: MedGen C0950123, MeSH D030342.
BBS10-related disorder. Also called: BBS10-related condition.

Allele frequency attached by ClinVar (database versions not stated): gnomAD exomes 0.00001.
gnomAD v4.1: 4 of 1,614,086 alleles (0.00025%); highest among the groups gnomAD compares: African/African-American, 0.0013%; no homozygotes.

Submissions (3):

GeneDx
Classification: Uncertain significance. Last evaluated: 2026-04-17. Review status: criteria provided, single submitter. Criteria: GeneDx Variant Classification Process June 2021. Collection method: clinical testing. Allele origin: germline.
Comment: Not observed at significant frequency in large population cohorts (gnomAD); In silico analysis supports that this missense variant has a deleterious effect on protein structure/function; Has not been previously published as pathogenic or benign to our knowledge

Ambry Genetics
Classification: Uncertain significance for Inborn genetic diseases. Last evaluated: 2025-08-10. Review status: criteria provided, single submitter. Criteria: Ambry Variant Classification Scheme 2023. Collection method: clinical testing. Allele origin: germline.

PreventionGenetics, part of Exact Sciences
Classification: Uncertain significance for BBS10-related condition. Last evaluated: 2024-02-20. Review status: no assertion criteria provided. Collection method: clinical testing. Allele origin: germline. Not counted in ClinVar's aggregate classification.
Comment: The BBS10 c.1142A>G variant is predicted to result in the amino acid substitution p.Tyr381Cys. To our knowledge, this variant has not been reported in the literature. This variant is reported in 0.0062% of alleles in individuals of African descent in gnomAD. At this time, the clinical significance of this variant is uncertain due to the absence of conclusive functional and genetic evidence.